The following is an entry in ClinVar:

ClinVar aggregate classification (germline): Pathogenic/Likely pathogenic. Review status: criteria provided, multiple submitters, no conflicts (2 of 4 stars). 4 submissions from 4 submitters: Pathogenic (2); Likely pathogenic (2). Last evaluated 2025-09-02.

Conditions:
SPG21-related disorder. Also called: SPG21-related condition.
Mast syndrome. Also called: SPASTIC PARAPLEGIA 21, AUTOSOMAL RECESSIVE. Identifiers: Orphanet 101001, MedGen C1855346, MONDO:0009568, OMIM 248900.

Allele frequency attached by ClinVar (database versions not stated): ExAC 0.00001; gnomAD exomes 0.00001 and 0.00002; ESP Exome Variant Server 0.00008.
gnomAD v4.1: 27 of 1,614,072 alleles (0.0017%); highest among the groups gnomAD compares: Non-Finnish European, 0.0021%; no homozygotes.

Submissions (4):

Athena Diagnostics
Classification: Likely pathogenic. Last evaluated: 2025-09-02. Review status: criteria provided, single submitter. Criteria: Athena Diagnostics Criteria. Collection method: clinical testing. Allele origin: unknown.
Comment: This variant is expected to result in the loss of a functional protein. The frequency of this variant in the general population is consistent with pathogenicity.

Labcorp Genetics (formerly Invitae), Labcorp
Classification: Pathogenic for Mast syndrome. Last evaluated: 2024-04-12. Review status: criteria provided, single submitter. Criteria: Invitae Variant Classification Sherloc (09022015). Collection method: clinical testing. Allele origin: germline.
Comment: This sequence change creates a premature translational stop signal (p.Arg246*) in the SPG21 gene. It is expected to result in an absent or disrupted protein product. Loss-of-function variants in SPG21 are known to be pathogenic (PMID: 14564668). This variant is present in population databases (rs369957508, gnomAD 0.002%). This variant has not been reported in the literature in individuals affected with SPG21-related conditions. ClinVar contains an entry for this variant (Variation ID: 372515). For these reasons, this variant has been classified as Pathogenic.

Blueprint Genetics
Classification: Likely pathogenic for SPG21-related disorders. Last evaluated: 2023-11-15. Review status: criteria provided, single submitter. Criteria: ACMG Guidelines, 2015. Collection method: clinical testing. Allele origin: germline. Affected: yes. Observed: 1 variant allele.

GeneDx
Classification: Pathogenic. Last evaluated: 2015-06-26. Review status: criteria provided, single submitter. Criteria: GeneDx Variant Classification (06012015). Collection method: clinical testing. Allele origin: germline. Affected: yes.
Comment: The R246X variant in the SPG21 gene has not been reported previously as a pathogenic variant nor as a benign polymorphism, to our knowledge. This nonsense variant is predicted to cause loss of normal protein function either through protein truncation or nonsense-mediated mRNA decay. R246X was not observed at any significant frequency in approximately 6,500 individuals of European and African American ancestry in the NHLBI Exome Sequencing Project, indicating it is not a common benign variant in these populations. We interpret R246X as a pathogenic variant.

Literature cited by the submitters: PubMed 38361118 (cited by Athena Diagnostics); PubMed 14564668 (cited by Labcorp Genetics (formerly Invitae), Labcorp).

NM_016630.7(SPG21):c.736C>T (p.Arg246Ter)

Gene: SPG21 (SPG21 abhydrolase domain containing, maspardin; minus strand). Cytogenetic location: 15q22.31.
Variant type: single nucleotide variant.
Coding change: c.736C>T on transcript NM_016630.7 (MANE Select); coding-DNA position 736, C replaced by T.
Protein change: p.Arg246Ter; replaces arginine 246 with a stop codon.
Molecular consequence: nonsense.
Genome position (GRCh38, 1-based): chr15:64,965,394, G>A on the plus strand (C>T on the coding strand, the complement: SPG21 is on the minus strand). VCF-style: chr15-64965394-G-A. GRCh37 (hg19) VCF-style: chr15-65257735-G-A.
Other names: c.736C>T, p.Arg246Ter (NM_001127889.5); c.655C>T, p.Arg219Ter (NM_001127890.5); c.736C>T (NM_016630.3); short protein forms R246*, R219*.
Identifiers: ClinVar variation 372515 (VCV000372515.8), dbSNP rs369957508, ClinGen allele CA7612888.